The following is an entry in ClinVar:

NM_182699.4(DDX53):c.640C>T (p.Arg214Cys)

Genes: DDX53 (DEAD-box helicase 53; plus strand), PTCHD1-AS (PTCHD1 antisense RNA (head to head); minus strand). Cytogenetic location: Xp22.11.
Variant type: single nucleotide variant.
Coding change: c.640C>T on transcript NM_182699.4 (MANE Select); coding-DNA position 640, C replaced by T.
Protein change: p.Arg214Cys; replaces arginine 214 with cysteine.
Molecular consequence: missense variant.
Genome position (GRCh38, 1-based): chrX:23,000,697, C>T. VCF-style: chrX-23000697-C-T. GRCh37 (hg19) VCF-style: chrX-23018814-C-T.
Other names: short protein forms R214C.
Identifiers: ClinVar variation 3048728 (VCV003048728.2), dbSNP rs79705836, ClinGen allele CA10368768.

ClinVar aggregate classification (germline): Likely benign (0 of 4 stars; one submission).

Conditions:
DDX53-related disorder. Also called: DDX53-related condition.

Allele frequency attached by ClinVar (database versions not stated): gnomAD 0.00018; gnomAD exomes 0.00021; TOPMed 0.00026; 1000 Genomes Project 30x 0.00042; ExAC 0.00043; 1000 Genomes Project 0.00053.

Submission:

PreventionGenetics, part of Exact Sciences
Classification: Likely benign for DDX53-related condition. Last evaluated: 2019-12-16. Review status: no assertion criteria provided. Collection method: clinical testing. Allele origin: germline.
Comment: This variant is classified as likely benign based on ACMG/AMP sequence variant interpretation guidelines (Richards et al. 2015 PMID: 25741868, with internal and published modifications).